The following is an entry in ClinVar:

NM_006060.6(IKZF1):c.590-6C>T

Gene: IKZF1 (IKAROS family zinc finger 1; plus strand). Cytogenetic location: 7p12.2.
Variant type: single nucleotide variant.
Coding change: c.590-6C>T on transcript NM_006060.6 (MANE Select); 6 bases into the intron before coding-DNA position 590, C replaced by T.
Molecular consequence: intron variant.
Genome position (GRCh38, 1-based): chr7:50,387,339, C>T. VCF-style: chr7-50387339-C-T. GRCh37 (hg19) VCF-style: chr7-50455037-C-T.
Other names: c.650-6C>T (NM_001410879.1); c.329-4390C>T (NM_001291839.2, NM_001220770.2); c.590-4390C>T (NM_001220765.3, NM_001291837.2); c.329-6C>T (NM_001291838.2, NM_001220767.2); c.589+4632C>T (NM_001220768.2); c.421+10546C>T (NM_001220771.2); c.161-6C>T (NM_001291841.1, NM_001291842.1); c.161-4390C>T (NM_001291843.1, NM_001291844.1); and 1 more.
Identifiers: ClinVar variation 3676077 (VCV003676077.3).

ClinVar aggregate classification (germline): Conflicting classifications of pathogenicity. Review status: criteria provided, conflicting classifications (1 of 4 stars). 2 submissions from 2 submitters: Uncertain significance (1); Likely benign (1). Last evaluated 2025-07-20.

gnomAD v4.1: 8 of 1,612,510 alleles (0.0005%); highest among the groups gnomAD compares: South Asian, 0.0077%; no homozygotes.

Submissions (2):

Labcorp Genetics (formerly Invitae), Labcorp
Classification: Likely benign. Last evaluated: 2025-07-20. Review status: criteria provided, single submitter. Criteria: Invitae Variant Classification Sherloc (09022015). Collection method: clinical testing. Allele origin: germline.

GeneDx
Classification: Uncertain significance. Last evaluated: 2024-12-31. Review status: criteria provided, single submitter. Criteria: GeneDx Variant Classification Process June 2021. Collection method: clinical testing. Allele origin: germline. Affected: yes.
Comment: Not observed at significant frequency in large population cohorts (gnomAD); In silico analysis indicates that this variant does not alter splicing; Has not been previously published as pathogenic or benign to our knowledge